The following is an entry in ClinVar:

NM_005529.7(HSPG2):c.11717G>A (p.Arg3906Gln)

Gene: HSPG2 (heparan sulfate proteoglycan 2; minus strand). Cytogenetic location: 1p36.12.
Variant type: single nucleotide variant.
Coding change: c.11717G>A on transcript NM_005529.7 (MANE Select); coding-DNA position 11717, G replaced by A.
Protein change: p.Arg3906Gln; replaces arginine 3906 with glutamine.
Molecular consequence: missense variant.
Genome position (GRCh38, 1-based): chr1:21,830,046, C>T on the plus strand (G>A on the coding strand, the complement: HSPG2 is on the minus strand). VCF-style: chr1-21830046-C-T. GRCh37 (hg19) VCF-style: chr1-22156539-C-T.
Other names: c.11720G>A, p.Arg3907Gln (NM_001291860.2); short protein forms R3906Q, R3907Q.
Identifiers: ClinVar variation 198963 (VCV000198963.30), dbSNP rs78944354, ClinGen allele CA203686.

ClinVar aggregate classification (germline): Benign/Likely benign. Review status: criteria provided, multiple submitters, no conflicts (2 of 4 stars). 9 submissions from 9 submitters: Benign (2); Likely benign (6). 1 of the submissions does not count toward it. Last evaluated 2025-11-17.

Conditions:
HSPG2-related disorder. Also called: HSPG2-related condition; HSPG2-related disorders.
Inborn genetic diseases. Identifiers: MedGen C0950123, MeSH D030342.

Allele frequency attached by ClinVar (database versions not stated): ESP Exome Variant Server 0.00154; 1000 Genomes Project 0.00180; TOPMed 0.00186; 1000 Genomes Project 30x 0.00203.

Submissions (9):

Labcorp Genetics (formerly Invitae), Labcorp
Classification: Benign. Last evaluated: 2025-11-17. Review status: criteria provided, single submitter. Criteria: Invitae Variant Classification Sherloc (09022015). Collection method: clinical testing. Allele origin: germline.

Blueprint Genetics
Classification: Likely benign. Last evaluated: 2024-11-11. Review status: criteria provided, single submitter. Criteria: ACMG Guidelines, 2015. Collection method: clinical testing. Allele origin: germline.

Ambry Genetics
Classification: Likely benign for Inborn genetic diseases. Last evaluated: 2022-04-25. Review status: criteria provided, single submitter. Criteria: Ambry Variant Classification Scheme 2023. Collection method: clinical testing. Allele origin: germline.

Athena Diagnostics
Classification: Likely benign. Last evaluated: 2020-04-09. Review status: criteria provided, single submitter. Criteria: Athena Diagnostics Criteria. Collection method: clinical testing. Allele origin: unknown.

GeneDx
Classification: Likely benign. Last evaluated: 2019-08-02. Review status: criteria provided, single submitter. Criteria: GeneDx Variant Classification Process June 2021. Collection method: clinical testing. Allele origin: germline. Affected: yes.

ARUP Laboratories, Molecular Genetics and Genomics, ARUP Laboratories
Classification: Likely benign. Last evaluated: 2017-12-28. Review status: criteria provided, single submitter. Criteria: ARUP Molecular Germline Variant Investigation Process. Collection method: clinical testing. Allele origin: germline.
Comment: The HSPG2 p.Arg3906Gln variant (rs78944354) has not been reported in association with disease and is classified as benign in ClinVar (Variant ID: 198963). The p.Arg3906Gln variant is also listed in the Genome Aggregation Database (gnomAD) browser with an allele frequency of 0.55% in the African population (identified in 119 out of 21,738 chromosomes with 1 homozygote). The arginine at codon 3906 is weakly conserved considering 12 species (Alamut software v2.10.0), and multiple species have a glutamine at this position, which suggests that this change is tolerated by evolution. Although computational analyses predict conflicting effects of this variant on protein structure/function (SIFT: tolerated, PolyPhen2: benign, MutationTaster: disease causing), based on the available evidence, the p.Arg3906Gln variant is classified as likely benign.

Eurofins Ntd Llc (ga)
Classification: Benign. Last evaluated: 2015-02-27. Review status: criteria provided, single submitter. Criteria: EGL Classification Definitions 2015. Collection method: clinical testing. Allele origin: germline. Observed: 1 variant allele, 1 heterozygote.

Breakthrough Genomics
Classification: Likely benign. Review status: criteria provided, single submitter. Criteria: ACMG Guidelines, 2015. Collection method: not provided. Allele origin: germline. Inheritance: Autosomal recessive inheritance. Affected: yes.

PreventionGenetics, part of Exact Sciences
Classification: Likely benign for HSPG2-related condition. Last evaluated: 2019-11-12. Review status: no assertion criteria provided. Collection method: clinical testing. Allele origin: germline. Not counted in ClinVar's aggregate classification.
Comment: This variant is classified as likely benign based on ACMG/AMP sequence variant interpretation guidelines (Richards et al. 2015 PMID: 25741868, with internal and published modifications).